The following is an entry in ClinVar:

ClinVar aggregate classification (germline): Uncertain significance (1 of 4 stars; one submission).

Conditions:
Catecholaminergic polymorphic ventricular tachycardia 1. Also called: VENTRICULAR TACHYCARDIA, CATECHOLAMINERGIC POLYMORPHIC, 1, WITH OR WITHOUT ATRIAL DYSFUNCTION AND/OR DILATED CARDIOMYOPATHY; VENTRICULAR TACHYCARDIA, STRESS-INDUCED POLYMORPHIC 1; RYR2-Related Catecholaminergic Polymorphic Ventricular Tachycardia. Identifiers: Orphanet 3286, MedGen C1631597, MONDO:0011484, OMIM 604772.

Submission:

Labcorp Genetics (formerly Invitae), Labcorp
Classification: Uncertain significance for Catecholaminergic polymorphic ventricular tachycardia 1. Last evaluated: 2024-10-18. Review status: criteria provided, single submitter. Criteria: Invitae Variant Classification Sherloc (09022015). Collection method: clinical testing. Allele origin: germline.
Comment: This sequence change replaces arginine, which is basic and polar, with proline, which is neutral and non-polar, at codon 76 of the RYR2 protein (p.Arg76Pro). This variant is not present in population databases (gnomAD no frequency). This variant has not been reported in the literature in individuals affected with RYR2-related conditions. ClinVar contains an entry for this variant (Variation ID: 1041677). Invitae Evidence Modeling of protein sequence and biophysical properties (such as structural, functional, and spatial information, amino acid conservation, physicochemical variation, residue mobility, and thermodynamic stability) indicates that this missense variant is expected to disrupt RYR2 protein function with a positive predictive value of 95%. In summary, the available evidence is currently insufficient to determine the role of this variant in disease. Therefore, it has been classified as a Variant of Uncertain Significance.

NM_001035.3(RYR2):c.227G>C (p.Arg76Pro)

Gene: RYR2 (ryanodine receptor 2; plus strand). Cytogenetic location: 1q43.
Variant type: single nucleotide variant.
Coding change: c.227G>C on transcript NM_001035.3 (MANE Select); coding-DNA position 227, G replaced by C.
Protein change: p.Arg76Pro; replaces arginine 76 with proline.
Molecular consequence: missense variant.
Genome position (GRCh38, 1-based): chr1:237,330,936, G>C. VCF-style: chr1-237330936-G-C. GRCh37 (hg19) VCF-style: chr1-237494236-G-C.
Other names: short protein forms R76P.
Identifiers: ClinVar variation 1041677 (VCV001041677.48), dbSNP rs1696646305, ClinGen allele CA345654654.